The following is an entry in ClinVar:

NM_006996.3(SLC19A2):c.1256G>A (p.Arg419His)

Gene: SLC19A2 (solute carrier family 19 member 2; minus strand). Cytogenetic location: 1q24.2.
Variant type: single nucleotide variant.
Coding change: c.1256G>A on transcript NM_006996.3 (MANE Select); coding-DNA position 1256, G replaced by A.
Protein change: p.Arg419His; replaces arginine 419 with histidine.
Molecular consequence: missense variant.
Genome position (GRCh38, 1-based): chr1:169,468,220, C>T on the plus strand (G>A on the coding strand, the complement: SLC19A2 is on the minus strand). VCF-style: chr1-169468220-C-T. GRCh37 (hg19) VCF-style: chr1-169437458-C-T.
Other names: c.653G>A, p.Arg218His (NM_001319667.1); short protein forms R218H, R419H.
Identifiers: ClinVar variation 2416684 (VCV002416684.3), dbSNP rs530420883, ClinGen allele CA1232867.

ClinVar aggregate classification (germline): Uncertain significance (1 of 4 stars; one submission).

Allele frequency attached by ClinVar (database versions not stated): gnomAD exomes below 0.00001; gnomAD 0.00001; ExAC 0.00002; TOPMed 0.00002; 1000 Genomes Project 30x 0.00016; 1000 Genomes Project 0.00020.
gnomAD v4.1: 8 of 1,613,594 alleles (0.0005%); highest among the groups gnomAD compares: Admixed American, 0.005%; no homozygotes.

Submission:

Labcorp Genetics (formerly Invitae), Labcorp
Classification: Uncertain significance. Last evaluated: 2023-11-27. Review status: criteria provided, single submitter. Criteria: Invitae Variant Classification Sherloc (09022015). Collection method: clinical testing. Allele origin: germline.
Comment: This sequence change replaces arginine, which is basic and polar, with histidine, which is basic and polar, at codon 419 of the SLC19A2 protein (p.Arg419His). This variant is present in population databases (rs530420883, gnomAD 0.009%). This missense change has been observed in individual(s) with clinical features of SLC19A2-related conditions (PMID: 31638924). ClinVar contains an entry for this variant (Variation ID: 2416684). Advanced modeling of protein sequence and biophysical properties (such as structural, functional, and spatial information, amino acid conservation, physicochemical variation, residue mobility, and thermodynamic stability) performed at Invitae indicates that this missense variant is not expected to disrupt SLC19A2 protein function with a negative predictive value of 80%. In summary, the available evidence is currently insufficient to determine the role of this variant in disease. Therefore, it has been classified as a Variant of Uncertain Significance.

Literature cited by the submitters: PubMed 31638924.